The following is an entry in ClinVar:

NM_000393.5(COL5A2):c.1073C>T (p.Ala358Val)

Gene: COL5A2 (collagen type V alpha 2 chain; minus strand). Cytogenetic location: 2q32.2.
Variant type: single nucleotide variant.
Coding change: c.1073C>T on transcript NM_000393.5 (MANE Select); coding-DNA position 1073, C replaced by T.
Protein change: p.Ala358Val; replaces alanine 358 with valine.
Molecular consequence: missense variant.
Genome position (GRCh38, 1-based): chr2:189,075,424, G>A on the plus strand (C>T on the coding strand, the complement: COL5A2 is on the minus strand). VCF-style: chr2-189075424-G-A. GRCh37 (hg19) VCF-style: chr2-189940150-G-A.
Other names: p.Ala358Val; c.1073C>T (NM_000393.4); short protein forms A358V.
Identifiers: ClinVar variation 264579 (VCV000264579.54), dbSNP rs886039197, ClinGen allele CA10587546.

ClinVar aggregate classification (germline): Conflicting classifications of pathogenicity. Review status: criteria provided, conflicting classifications (1 of 4 stars). 8 submissions from 8 submitters: Uncertain significance (6); Benign (1); Likely benign (1). Last evaluated 2026-05-25.

Conditions:
Ehlers-Danlos syndrome, classic type, 1 (EDSCL1). Also called: EDS I; EHLERS-DANLOS SYNDROME, GRAVIS TYPE; EHLERS-DANLOS SYNDROME, SEVERE CLASSIC TYPE; Ehlers-Danlos syndrome, type 1; Ehlers-Danlos Syndrome, Classic Type, COL5A1-Related. Identifiers: MedGen C0268335, MONDO:0019567, OMIM 130000.
COL5A2-related disorder. Also called: COL5A2-related condition.
Familial thoracic aortic aneurysm and aortic dissection (TAAD). Also called: Thoracic aortic aneurysms and dissections. Identifiers: Orphanet 91387, MedGen C4707243, MONDO:0019625.

Allele frequency attached by ClinVar (database versions not stated): gnomAD exomes 0.00001; TOPMed 0.00001; gnomAD 0.00003.
gnomAD v4.1: 19 of 1,605,958 alleles (0.0012%); highest among the groups gnomAD compares: Non-Finnish European, 0.0016%; no homozygotes.

Submissions (8):

PreventionGenetics, part of Exact Sciences
Classification: Uncertain significance for COL5A2-related condition. Last evaluated: 2026-05-25. Review status: criteria provided, single submitter. Criteria: ACMG Guidelines, 2015. Collection method: clinical testing. Allele origin: germline.
Comment: The COL5A2 c.1073C>T variant is predicted to result in the amino acid substitution p.Ala358Val. To our knowledge, this variant has not been reported in the literature. This variant is reported in 0.0031% of alleles in individuals of European (Non-Finnish) descent in gnomAD. At this time, the clinical significance of this variant is uncertain due to the absence of conclusive functional and genetic evidence.

Labcorp Genetics (formerly Invitae), Labcorp
Classification: Benign for Ehlers-Danlos syndrome, classic type, 1. Last evaluated: 2026-01-25. Review status: criteria provided, single submitter. Criteria: Invitae Variant Classification Sherloc (09022015). Collection method: clinical testing. Allele origin: germline.

Women's Health and Genetics/Laboratory Corporation of America, LabCorp
Classification: Uncertain significance. Last evaluated: 2024-12-24. Review status: criteria provided, single submitter. Criteria: LabCorp Variant Classification Summary - May 2015. Collection method: clinical testing. Allele origin: germline.
Comment: Variant summary: COL5A2 c.1073C>T (p.Ala358Val) results in a non-conservative amino acid change in the encoded protein sequence. Four of five in-silico tools predict a benign effect of the variant on protein function. The variant allele was found at a frequency of 8e-06 in 251082 control chromosomes. The available data on variant occurrences in the general population are insufficient to allow any conclusion about variant significance. To our knowledge, no occurrence of c.1073C>T in individuals affected with Ehlers-Danlos Syndrome and no experimental evidence demonstrating its impact on protein function have been reported. ClinVar contains an entry for this variant (Variation ID: 264579). Based on the evidence outlined above, the variant was classified as uncertain significance.

Mayo Clinic Laboratories, Mayo Clinic
Classification: Uncertain significance. Last evaluated: 2024-05-14. Review status: criteria provided, single submitter. Criteria: ACMG Guidelines, 2015. Collection method: clinical testing. Allele origin: germline. Observed: 1 variant allele.
Comment: BP4

Blueprint Genetics
Classification: Likely benign. Last evaluated: 2022-07-13. Review status: criteria provided, single submitter. Criteria: ACMG Guidelines, 2015. Collection method: clinical testing. Allele origin: germline.

GeneDx
Classification: Uncertain significance. Last evaluated: 2020-07-16. Review status: criteria provided, single submitter. Criteria: GeneDx Variant Classification Process June 2021. Collection method: clinical testing. Allele origin: germline. Affected: yes.
Comment: Has not been previously published as pathogenic or benign to our knowledge; Not observed at a significant frequency in large population cohorts (Lek et al., 2016); In silico analysis supports that this missense variant does not alter protein structure/function; Reported in ClinVar as a variant of uncertain significance (ClinVar ID# 264579; Landrum et al., 2016)

CeGaT Center for Human Genetics Tuebingen
Classification: Uncertain significance. Last evaluated: 2020-07-01. Review status: criteria provided, single submitter. Criteria: CeGaT Center For Human Genetics Tuebingen Variant Classification Criteria Version 2. Collection method: clinical testing. Allele origin: germline. Affected: yes. Observed: 1 variant allele.

Ambry Genetics
Classification: Uncertain significance for Familial thoracic aortic aneurysm and aortic dissection. Last evaluated: 2015-12-24. Review status: criteria provided, single submitter. Criteria: Ambry Variant Classification Scheme 2023. Collection method: clinical testing. Allele origin: germline.
Comment: The p.A358V variant (also known as c.1073C>T), located in coding exon 17 of the COL5A2 gene, results from a C to T substitution at nucleotide position 1073. The alanine at codon 358 is replaced by valine, an amino acid with similar properties. This variant was not reported in population based cohorts in the following databases: Database of Single Nucleotide Polymorphisms (dbSNP), NHLBI Exome Sequencing Project (ESP), and 1000 Genomes Project. In the ESP, this variant was not observed in 6502 samples (13004 alleles) with coverage at this position. This amino acid position is not well conserved in available vertebrate species. In addition, this alteration is predicted to be tolerated by in silico analysis. Since supporting evidence is limited at this time, the clinical significance of this variant remains unclear.